The following is an entry in ClinVar:

ClinVar aggregate classification (germline): Uncertain significance (1 of 4 stars; one submission).

Conditions:
Hereditary cancer-predisposing syndrome. Also called: Neoplastic Syndromes, Hereditary; Tumor predisposition; Hereditary Cancer Syndrome; Hereditary neoplastic syndrome. Identifiers: Orphanet 140162, MedGen C0027672, MeSH D009386, MONDO:0015356.

gnomAD v4.1: 2 of 1,614,188 alleles (0.00012%); highest among the groups gnomAD compares: Non-Finnish European, 0.000085%; no homozygotes.

Submission:

Ambry Genetics
Classification: Uncertain significance for Hereditary cancer-predisposing syndrome. Last evaluated: 2026-04-23. Review status: criteria provided, single submitter. Criteria: Ambry Variant Classification Scheme 2023. Collection method: clinical testing. Allele origin: germline.
Comment: The p.L427P variant (also known as c.1280T>C), located in coding exon 9 of the PTCH1 gene, results from a T to C substitution at nucleotide position 1280. The leucine at codon 427 is replaced by proline, an amino acid with similar properties. This amino acid position is conserved. In addition, this alteration is predicted to be deleterious by in silico analysis. Based on the available evidence, the clinical significance of this alteration remains unclear.

NM_000264.5(PTCH1):c.1280T>C (p.Leu427Pro)

Gene: PTCH1 (patched 1; minus strand). Cytogenetic location: 9q22.32.
Variant type: single nucleotide variant.
Coding change: c.1280T>C on transcript NM_000264.5 (MANE Select); coding-DNA position 1280, T replaced by C.
Protein change: p.Leu427Pro; replaces leucine 427 with proline.
Molecular consequence: missense variant. On other transcripts: non-coding transcript variant (1).
Genome position (GRCh38, 1-based): chr9:95,478,122, A>G on the plus strand (T>C on the coding strand, the complement: PTCH1 is on the minus strand). VCF-style: chr9-95478122-A-G. GRCh37 (hg19) VCF-style: chr9-98240404-A-G.
Other names: c.1082T>C, p.Leu361Pro (NM_001083602.3); c.1277T>C, p.Leu426Pro (NM_001083603.3); c.827T>C, p.Leu276Pro (NM_001083604.3, NM_001083605.3, NM_001083606.3 and 1 more transcripts); c.1280T>C, p.Leu427Pro (NM_001354918.2); short protein forms L361P, L276P, L426P, L427P.
Identifiers: ClinVar variation 3311141 (VCV003311141.2).